The following is an entry in ClinVar:

NM_000257.4(MYH7):c.1413C>G (p.Asn471Lys)

Gene: MYH7 (myosin heavy chain 7; minus strand). Cytogenetic location: 14q11.2.
Variant type: single nucleotide variant.
Coding change: c.1413C>G on transcript NM_000257.4 (MANE Select); coding-DNA position 1413, C replaced by G.
Protein change: p.Asn471Lys; replaces asparagine 471 with lysine.
Molecular consequence: missense variant.
Genome position (GRCh38, 1-based): chr14:23,428,665, G>C on the plus strand (C>G on the coding strand, the complement: MYH7 is on the minus strand). VCF-style: chr14-23428665-G-C. GRCh37 (hg19) VCF-style: chr14-23897874-G-C.
Other names: c.1413C>G, p.Asn471Lys (NM_001407004.1); short protein forms N471K.
Identifiers: ClinVar variation 2773959 (VCV002773959.2), dbSNP rs760737402, ClinGen allele CA389050663.

ClinVar aggregate classification (germline): Uncertain significance (1 of 4 stars; one submission).

Conditions:
Cardiomyopathy (CMYO). Also called: Cardiomyopathies. Identifiers: Orphanet 167848, MedGen C0878544, MONDO:0004994, HP:0001638. Inheritance: Various modes of inheritance.

Submission:

Color Diagnostics, LLC DBA Color Health
Classification: Uncertain significance for Cardiomyopathy. Last evaluated: 2021-10-05. Review status: criteria provided, single submitter. Criteria: ACMG Guidelines, 2015. Collection method: clinical testing. Allele origin: germline.
Comment: This missense variant replaces asparagine with lysine at codon 471 of the MYH7 protein. Computational prediction suggests that this variant may have deleterious impact on protein structure and function (internally defined REVEL score threshold >= 0.7, PMID: 27666373). To our knowledge, functional studies have not been reported for this variant. This variant has not been reported in individuals affected with cardiovascular disorders in the literature. This variant has not been identified in the general population by the Genome Aggregation Database (gnomAD). The available evidence is insufficient to determine the role of this variant in disease conclusively. Therefore, this variant is classified as a Variant of Uncertain Significance.